The following is an entry in ClinVar:

NM_144585.4(SLC22A12):c.1145A>T (p.Gln382Leu)

Gene: SLC22A12 (solute carrier family 22 member 12; plus strand). Cytogenetic location: 11q13.1.
Variant type: single nucleotide variant.
Coding change: c.1145A>T on transcript NM_144585.4 (MANE Select); coding-DNA position 1145, A replaced by T.
Protein change: p.Gln382Leu; replaces glutamine 382 with leucine.
Molecular consequence: missense variant.
Genome position (GRCh38, 1-based): chr11:64,599,750, A>T. VCF-style: chr11-64599750-A-T. GRCh37 (hg19) VCF-style: chr11-64367222-A-T.
Other names: c.1043A>T, p.Gln348Leu (NM_001276326.2); c.821A>T, p.Gln274Leu (NM_001276327.2); c.482A>T, p.Gln161Leu (NM_153378.3); short protein forms Q382L, Q161L, Q274L, Q348L.
Identifiers: ClinVar variation 305239 (VCV000305239.19), dbSNP rs765990518, ClinGen allele CA6077325.

ClinVar aggregate classification (germline): Pathogenic/Likely pathogenic. Review status: criteria provided, multiple submitters, no conflicts (2 of 4 stars). 9 submissions from 9 submitters: Pathogenic (1); Likely pathogenic (8). Last evaluated 2026-01-26.

Conditions:
Familial renal hypouricemia. Also called: Hereditary renal hypouricemia. Identifiers: Orphanet 94088, MedGen C4551590, MONDO:0009071.
SLC22A12-related disorder. Also called: SLC22A12-related condition.
Dalmatian hypouricemia (RHUC1). Identifiers: MedGen C0473219, MONDO:0020728, OMIM 220150.

Allele frequency attached by ClinVar (database versions not stated): gnomAD exomes 0.00003 and 0.00012; TOPMed 0.00004; gnomAD 0.00005; ExAC 0.00007.
gnomAD v4.1: 49 of 1,611,934 alleles (0.003%); highest among the groups gnomAD compares: East Asian, 0.11%; no homozygotes.

Submissions (9):

Medical and Scientific Branch, Hong Kong Genome Institute
Classification: Likely pathogenic for Dalmatian hypouricemia. Last evaluated: 2026-01-26. Review status: criteria provided, single submitter. Criteria: ACMG Guidelines, 2015. Collection method: clinical testing. Allele origin: unknown. Affected: yes.

Molecular Genetics, Royal Melbourne Hospital
Classification: Likely pathogenic for Familial renal hypouricemia. Last evaluated: 2024-12-06. Review status: criteria provided, single submitter. Criteria: ACMG Guidelines, 2015. Collection method: clinical testing. Allele origin: germline. Inheritance: Autosomal recessive inheritance.
Comment: Based on the classification scheme RMH Modified ACMG/AMP Guidelines v1.7.0, this variant is classified as LIKELY PATHOGENIC. Following criteria are met: PM3_Strong, PP4, PS3_Supporting.

Fulgent Genetics
Classification: Likely pathogenic for Dalmatian hypouricemia. Last evaluated: 2024-02-10. Review status: criteria provided, single submitter. Criteria: ACMG Guidelines, 2015. Collection method: clinical testing. Allele origin: germline.

Labcorp Genetics (formerly Invitae), Labcorp
Classification: Pathogenic. Last evaluated: 2023-11-24. Review status: criteria provided, single submitter. Criteria: Invitae Variant Classification Sherloc (09022015). Collection method: clinical testing. Allele origin: germline.
Comment: This sequence change replaces glutamine, which is neutral and polar, with leucine, which is neutral and non-polar, at codon 382 of the SLC22A12 protein (p.Gln382Leu). The frequency data for this variant in the population databases is considered unreliable, as metrics indicate poor data quality at this position in the gnomAD database. This missense change has been observed in individual(s) with hypouricemia (PMID: 14694169, 15634722, 30097038, 31131560, 31591475). In at least one individual the data is consistent with being in trans (on the opposite chromosome) from a pathogenic variant. ClinVar contains an entry for this variant (Variation ID: 305239). An algorithm developed to predict the effect of missense changes on protein structure and function (PolyPhen-2) suggests that this variant is likely to be disruptive. Experimental studies have shown that this missense change affects SLC22A12 function (PMID: 14694169, 15634722). For these reasons, this variant has been classified as Pathogenic.

PreventionGenetics, part of Exact Sciences
Classification: Likely pathogenic for SLC22A12-related condition. Last evaluated: 2023-01-17. Review status: criteria provided, single submitter. Criteria: ACMG Guidelines, 2015. Collection method: clinical testing. Allele origin: germline.
Comment: The SLC22A12 c.1145A>T variant is predicted to result in the amino acid substitution p.Gln382Leu. This variant was reported to be causative for renal hypouricemia (Ichida et al. 2004. PubMed ID: 14694169; Lam et al. 2008. PubMed ID: 18760270; Zhou et al. 2019. PubMed ID: 31131560). Functional studies showed that this variant impairs the transport efficiency (Ichida et al. 2004. PubMed ID: 14694169; Toyoda et al. 2021. PubMed ID: 33821957). This variant is reported in 0.15% of alleles in individuals of East Asian descent in gnomAD. This variant is interpreted as likely pathogenic.

Department of Pathology and Laboratory Medicine, Sinai Health System
Classification: Likely pathogenic for Dalmatian hypouricemia. Last evaluated: 2022-09-29. Review status: criteria provided, single submitter. Criteria: ACMG Guidelines, 2015. Collection method: research. Allele origin: germline.

Revvity Omics, Revvity
Classification: Likely pathogenic for Dalmatian hypouricemia. Last evaluated: 2020-02-26. Review status: criteria provided, single submitter. Criteria: ACMG Guidelines, 2015. Collection method: clinical testing. Allele origin: germline.

Illumina Laboratory Services, Illumina
Classification: Likely pathogenic for Dalmatian hypouricemia. Last evaluated: 2017-04-27. Review status: criteria provided, single submitter. Criteria: ICSL Variant Classification Criteria 09 May 2019. Collection method: clinical testing. Allele origin: germline.
Comment: The SLC22A12 c.1145A>T (p.Gln382Leu) missense variant has been reported in two studies in which it is found in a compound heterozygous state in two individuals with renal hypouricemia, and in a heterozygous state in three unaffected family members (Ichida et al. 2004; Wakida et al. 2005). The p.Gln382Leu variant was absent from 75 controls and is reported at a frequency of 0.00093 in the East Asian population of the Exome Aggregation Consortium. Functional studies in Xenopus oocytes demonstrated that the p.Gln382Leu variant significantly decreased urate transport compared to wild type SLC22A12 (Ichida et al. 2004; Wakida et al. 2005). Based on the evidence, the p.Gln382Leu variant is classified as likely pathogenic for renal hypouricemia. This variant was observed by ICSL as part of a predisposition screen in an ostensibly healthy population.

Juno Genomics, Hangzhou Juno Genomics, Inc
Classification: Likely pathogenic for Dalmatian hypouricemia. Review status: criteria provided, single submitter. Criteria: ACMG Guidelines, 2015. Collection method: clinical testing. Allele origin: germline. Affected: yes.
Comment: For recessive disorders, detected in trans with a pathogenic variant.;Patient's phenotype or family history is highly specific for a disease with a single genetic etiology.;Well-established in vitro or in vivo functional studies supportive of a damaging effect on the gene or gene product.

Literature cited by the submitters: PubMed 14694169 (cited by Labcorp Genetics (formerly Invitae), Labcorp and Illumina Laboratory Services, Illumina); PubMed 15634722 (cited by Labcorp Genetics (formerly Invitae), Labcorp and Illumina Laboratory Services, Illumina); PubMed 30097038 (cited by Labcorp Genetics (formerly Invitae), Labcorp); PubMed 31131560 (cited by Labcorp Genetics (formerly Invitae), Labcorp); PubMed 31591475 (cited by Labcorp Genetics (formerly Invitae), Labcorp).